The following is an entry in ClinVar:

NM_021930.6(RINT1):c.1337C>T (p.Ala446Val)

Gene: RINT1 (RAD50 interactor 1; plus strand). Cytogenetic location: 7q22.3.
Variant type: single nucleotide variant.
Coding change: c.1337C>T on transcript NM_021930.6 (MANE Select); coding-DNA position 1337, C replaced by T.
Protein change: p.Ala446Val; replaces alanine 446 with valine.
Molecular consequence: missense variant. On other transcripts: non-coding transcript variant (1).
Genome position (GRCh38, 1-based): chr7:105,551,573, C>T. VCF-style: chr7-105551573-C-T. GRCh37 (hg19) VCF-style: chr7-105192020-C-T.
Other names: c.1103C>T, p.Ala368Val (NM_001346599.2); c.314C>T, p.Ala105Val (NM_001346600.2, NM_001346603.2); c.413C>T, p.Ala138Val (NM_001346601.2); short protein forms A446V, A138V, A368V, A105V.
Identifiers: ClinVar variation 1770265 (VCV001770265.2), dbSNP rs1013448398, ClinGen allele CA368809600.

ClinVar aggregate classification (germline): Uncertain significance (1 of 4 stars; one submission).

Submission:

Ambry Genetics
Classification: Uncertain significance. Last evaluated: 2022-10-29. Review status: criteria provided, single submitter. Criteria: Ambry Variant Classification Scheme 2023. Collection method: clinical testing. Allele origin: germline.
Comment: The p.A446V variant (also known as c.1337C>T), located in coding exon 10 of the RINT1 gene, results from a C to T substitution at nucleotide position 1337. The alanine at codon 446 is replaced by valine, an amino acid with similar properties. This amino acid position is conserved. In addition, the in silico prediction for this alteration is inconclusive. Since supporting evidence is limited at this time, the clinical significance of this alteration remains unclear.